The following is an entry in ClinVar:

ClinVar aggregate classification (germline): Benign/Likely benign. Review status: criteria provided, multiple submitters, no conflicts (2 of 4 stars). 9 submissions from 9 submitters: Benign (6); Likely benign (2). 1 of the submissions does not count toward it. Last evaluated 2026-02-03.

Conditions:
Inborn genetic diseases. Identifiers: MedGen C0950123, MeSH D030342.
Hereditary spastic paraplegia 30. Identifiers: Orphanet 101010, MedGen C5235139, MONDO:0012476.
Neuropathy, hereditary sensory, type 2C. Also called: Hereditary sensory and autonomic neuropathy type IIC; KIF1A-Related HSAN2 (HSAN2C). Identifiers: Orphanet 970, MedGen C3280168, MONDO:0013634, OMIM 614213.
Intellectual disability, autosomal dominant 9 (NESCAVS). Also called: NESCAV SYNDROME; KIF1A-Related Neurodevelopmental Disorder. Identifiers: Orphanet 662367, MedGen C5393830, MONDO:0013656, OMIM 614255.
Hereditary spastic paraplegia. Also called: Familial spastic paraparesis. Identifiers: Orphanet 685, MedGen C0037773, MONDO:0019064. Disease mechanism: loss of function.

Allele frequency attached by ClinVar (database versions not stated): ESP Exome Variant Server 0.01660; gnomAD 0.01680 and 0.01793; TOPMed 0.01936; 1000 Genomes Project 0.02256; 1000 Genomes Project 30x 0.02405; gnomAD exomes 0.00166 and 0.00455; ExAC 0.00602.
gnomAD v4.1: 5,107 of 1,612,936 alleles (0.32%); highest among the groups gnomAD compares: African/African-American, 5.8%; 142 homozygotes.

Submissions (9):

Labcorp Genetics (formerly Invitae), Labcorp
Classification: Benign for Hereditary spastic paraplegia 30; Neuropathy, hereditary sensory, type 2C; Intellectual disability, autosomal dominant 9. Last evaluated: 2026-02-03. Review status: criteria provided, single submitter. Criteria: Invitae Variant Classification Sherloc (09022015). Collection method: clinical testing. Allele origin: germline.

ARUP Laboratories, Molecular Genetics and Genomics, ARUP Laboratories
Classification: Benign. Last evaluated: 2025-04-08. Review status: criteria provided, single submitter. Criteria: ARUP Molecular Germline Variant Investigation Process 2024. Collection method: clinical testing. Allele origin: germline.

Genome Diagnostics Laboratory, The Hospital for Sick Children
Classification: Likely benign for Hereditary spastic paraplegia. Last evaluated: 2021-11-05. Review status: criteria provided, single submitter. Criteria: ACMG Guidelines, 2015. Collection method: clinical testing. Allele origin: germline. Affected: yes.

Illumina Laboratory Services, Illumina
Classification: Benign for Spastic paraplegia 30A, autosomal dominant. Last evaluated: 2018-01-13. Review status: criteria provided, single submitter. Criteria: ICSL Variant Classification Criteria 13 December 2019. Collection method: clinical testing. Allele origin: germline.
Comment: This variant was observed in the ICSL laboratory as part of a predisposition screen in an ostensibly healthy population. It had not been previously curated by ICSL or reported in the Human Gene Mutation Database (HGMD: prior to June 1st, 2018), and was therefore a candidate for classification through an automated scoring system. Utilizing variant allele frequency, disease prevalence and penetrance estimates, and inheritance mode, an automated score was calculated to assess if this variant is too frequent to cause the disease. Based on the score and internal cut-off values, a variant classified as benign is not then subjected to further curation. The score for this variant resulted in a classification of benign for this disease.

Ambry Genetics
Classification: Benign for Inborn genetic diseases. Last evaluated: 2016-06-01. Review status: criteria provided, single submitter. Criteria: Ambry Variant Classification Scheme 2023. Collection method: clinical testing. Allele origin: germline.

Mayo Clinic Laboratories, Mayo Clinic
Classification: Benign. Last evaluated: 2016-03-04. Review status: criteria provided, single submitter. Criteria: ACMG Guidelines, 2015. Collection method: clinical testing. Allele origin: germline. Observed: 8 variant alleles.

GeneDx
Classification: Benign. Last evaluated: 2015-11-13. Review status: criteria provided, single submitter. Criteria: GeneDx Variant Classification (06012015). Collection method: clinical testing. Allele origin: germline. Affected: yes.
Comment: This variant is considered likely benign or benign based on one or more of the following criteria: it is a conservative change, it occurs at a poorly conserved position in the protein, it is predicted to be benign by multiple in silico algorithms, and/or has population frequency not consistent with disease.

Breakthrough Genomics
Classification: Likely benign. Review status: criteria provided, single submitter. Criteria: ACMG Guidelines, 2015. Collection method: not provided. Allele origin: germline. Inheritance: Autosomal recessive inheritance. Affected: yes.

Genetic Services Laboratory, University of Chicago
Classification: Likely benign for AllHighlyPenetrant. Review status: no assertion criteria provided. Collection method: clinical testing. Allele origin: germline. Not counted in ClinVar's aggregate classification.
Comment: Likely benign based on allele frequency in 1000 Genomes Project or ESP global frequency and its presence in a patient with a rare or unrelated disease phenotype. NOT Sanger confirmed.

NM_001244008.2(KIF1A):c.3282C>T (p.His1094=)

Gene: KIF1A (kinesin family member 1A; minus strand). Cytogenetic location: 2q37.3.
Variant type: single nucleotide variant.
Coding change: c.3282C>T on transcript NM_001244008.2 (MANE Select); coding-DNA position 3282, C replaced by T.
Protein change: p.His1094=; no amino-acid change (histidine 1094 retained).
Molecular consequence: synonymous variant.
Genome position (GRCh38, 1-based): chr2:240,745,830, G>A on the plus strand (C>T on the coding strand, the complement: KIF1A is on the minus strand). VCF-style: chr2-240745830-G-A. GRCh37 (hg19) VCF-style: chr2-241685247-G-A.
Other names: p.His993=; c.3006C>T, p.His1002= (NM_001320705.2, NM_001330289.2, NM_001379638.1); c.3081C>T, p.His1027= (NM_001330290.2, NM_001379634.1, NM_001379635.1 and 1 more transcripts); c.3357C>T, p.His1119= (NM_001379631.1); c.3231C>T, p.His1077= (NM_001379632.1); c.3255C>T, p.His1085= (NM_001379633.1, NM_001379642.1, NM_001379645.1); c.2979C>T, p.His993= (NM_001379636.1, NM_001379639.1, NM_001379641.1 and 5 more transcripts); c.3054C>T, p.His1018= (NM_001379637.1, NM_001379648.1); and 2 more.
Identifiers: ClinVar variation 129390 (VCV000129390.72), dbSNP rs35664935, ClinGen allele CA153366.